The following is an entry in ClinVar:

ClinVar aggregate classification (germline): Uncertain significance (1 of 4 stars; one submission).

Submission:

Ambry Genetics
Classification: Uncertain significance. Last evaluated: 2025-03-20. Review status: criteria provided, single submitter. Criteria: Ambry Variant Classification Scheme 2023. Collection method: clinical testing. Allele origin: germline.
Comment: The p.S5T variant (also known as c.14G>C), located in coding exon 1 of the EGLN1 gene, results from a G to C substitution at nucleotide position 14. The serine at codon 5 is replaced by threonine, an amino acid with similar properties. This amino acid position is conserved. In addition, this alteration is predicted to be tolerated by in silico analysis. Based on the available evidence, the clinical significance of this variant remains unclear.

NM_022051.3(EGLN1):c.14G>C (p.Ser5Thr)

Gene: EGLN1 (egl-9 family hypoxia inducible factor 1; minus strand). Cytogenetic location: 1q42.2.
Variant type: single nucleotide variant.
Coding change: c.14G>C on transcript NM_022051.3 (MANE Select); coding-DNA position 14, G replaced by C.
Protein change: p.Ser5Thr; replaces serine 5 with threonine.
Molecular consequence: missense variant.
Genome position (GRCh38, 1-based): chr1:231,421,875, C>G on the plus strand (G>C on the coding strand, the complement: EGLN1 is on the minus strand). VCF-style: chr1-231421875-C-G. GRCh37 (hg19) VCF-style: chr1-231557621-C-G.
Other names: c.14G>C, p.Ser5Thr (NM_001377260.1, NM_001377261.1); short protein forms S5T.
Identifiers: ClinVar variation 4016846 (VCV004016846.1).